The following continues an entry in ClinVar:

NM_025114.4(CEP290):c.4882C>T (p.Gln1628Ter)

Gene: CEP290. ClinVar aggregate classification (germline): Pathogenic. Pathogenic (19).

Submissions 9 to 19 of 19:

Myriad Genetics, Inc.
Classification: Pathogenic for CEP290-related ciliopathy. Last evaluated: 2024-04-28. Review status: criteria provided, single submitter. Criteria: Myriad Autosomal Dominant, Autosomal Recessive and X-Linked Classification Criteria (2023). Collection method: clinical testing. Allele origin: unknown.
Comment: NM_025114.3(CEP290):c.4882C>T(Q1628*) is expected to be pathogenic in the context of CEP290-related disorders. This variant is predicted to lead to an abnormal or absent protein product due to the creation of a premature termination codon in CEP290, a gene where loss-of-function variants are known to be pathogenic. Please note: this variant was assessed in the context of healthy population screening.

Baylor Genetics
Classification: Pathogenic for Bardet-Biedl syndrome 14. Last evaluated: 2024-03-29. Review status: criteria provided, single submitter. Criteria: ACMG Guidelines, 2015. Collection method: clinical testing. Allele origin: unknown.

CeGaT Center for Human Genetics Tuebingen
Classification: Pathogenic. Last evaluated: 2024-01-01. Review status: criteria provided, single submitter. Criteria: CeGaT Center For Human Genetics Tuebingen Variant Classification Criteria Version 2. Collection method: clinical testing. Allele origin: germline. Affected: yes. Observed: 3 variant alleles.
Comment: CEP290: PVS1, PM2, PM3

Revvity Omics, Revvity
Classification: Pathogenic. Last evaluated: 2022-06-21. Review status: criteria provided, single submitter. Criteria: ACMG Guidelines, 2015. Collection method: clinical testing. Allele origin: germline.

Ambry Genetics
Classification: Pathogenic for Inborn genetic diseases. Last evaluated: 2021-02-10. Review status: criteria provided, single submitter. Criteria: Ambry Variant Classification Scheme 2023. Collection method: clinical testing. Allele origin: germline.
Comment: The c.4882C>T (p.Q1628*) alteration, located in exon 37 (coding exon 36) of the CEP290 gene, consists of a C to T substitution at nucleotide position 4882. This changes the amino acid from a glutamine (Q) to a stop codon at amino acid position 1628. This alteration is expected to result in loss of function by premature protein truncation or nonsense-mediated mRNA decay. Based on data from the Genome Aggregation Database (gnomAD) database, the CEP290 c.4882C>T alteration was observed in 0.01% (12/172352) of total alleles studied, with a frequency of 0.09% (8/8706) in the Ashkenazi Jewish subpopulation. The alteration has been reported in the compound heterozygous state in multiple patients with Leber congenital amaurosis and/or Joubert syndrome (Perrault, 2007; Brancati, 2007; Chaki, 2011; Wang, 2013; Summers, 2017; Feldhaus, 2020). Based on the available evidence, this alteration is classified as pathogenic.

Institute of Human Genetics, Univ. Regensburg, Univ. Regensburg
Classification: Pathogenic for Retinal dystrophy. Last evaluated: 2020-01-01. Review status: criteria provided, single submitter. Criteria: ACMG Guidelines, 2015. Collection method: clinical testing. Allele origin: germline. Affected: yes.

Centre for Mendelian Genomics, University Medical Centre Ljubljana
Classification: Pathogenic for Joubert syndrome 5. Last evaluated: 2019-06-12. Review status: criteria provided, single submitter. Criteria: ACMG Guidelines, 2015. Collection method: clinical testing. Allele origin: unknown. Affected: yes.
Comment: This variant was classified as: Pathogenic. The following ACMG criteria were applied in classifying this variant: PVS1,PS1,PM2.

Fulgent Genetics
Classification: Pathogenic for Joubert syndrome 5; Senior-Loken syndrome 6; Meckel syndrome, type 4; Leber congenital amaurosis 10; Bardet-Biedl syndrome 14. Last evaluated: 2018-10-31. Review status: criteria provided, single submitter. Criteria: ACMG Guidelines, 2015. Collection method: clinical testing. Allele origin: unknown.

Centre for Mendelian Genomics, University Medical Centre Ljubljana
Classification: Pathogenic for Cystic renal dysplasia; Occipital encephalocele. Last evaluated: 2017-01-01. Review status: criteria provided, single submitter. Criteria: ACMG Guidelines, 2015. Collection method: clinical testing. Allele origin: unknown. Affected: yes.

Centre for Mendelian Genomics, University Medical Centre Ljubljana
Classification: Pathogenic for Blindness; Global developmental delay. Last evaluated: 2015-08-26. Review status: criteria provided, single submitter. Criteria: ACMG Guidelines, 2015. Collection method: clinical testing. Allele origin: unknown. Affected: yes.

UW Hindbrain Malformation Research Program, University of Washington
Classification: Pathogenic for Joubert syndrome 5. Last evaluated: 2015-02-23. Review status: criteria provided, single submitter. Criteria: Bachmann-Gagescu et al. (J Med Genet. 2015). Collection method: research. Allele origin: unknown. Affected: yes.

Literature cited by the submitters: PubMed 16909394 (cited by Labcorp Genetics (formerly Invitae), Labcorp and Variantyx, Inc.); PubMed 17345604 (cited by 5 submitters); PubMed 20690115 (cited by Labcorp Genetics (formerly Invitae), Labcorp and Variantyx, Inc.); PubMed 21866095 (cited by 5 submitters); PubMed 26092869 (cited by 4 submitters); PubMed 28497568 (cited by 4 submitters); PubMed 17705300 (cited by Natera, Inc.); PubMed 38927562 (cited by Variantyx, Inc.); PubMed 17564967 (cited by Ambry Genetics); PubMed 23847139 (cited by Ambry Genetics); PubMed 31734136 (cited by Ambry Genetics and Institute of Human Genetics, Univ. Regensburg, Univ. Regensburg); PubMed 25525159 (cited by Institute of Human Genetics, Univ. Regensburg, Univ. Regensburg); PubMed 28914264 (cited by Institute of Human Genetics, Univ. Regensburg, Univ. Regensburg); PubMed 31623504 (cited by Institute of Human Genetics, Univ. Regensburg, Univ. Regensburg); PubMed 31964843 (cited by Institute of Human Genetics, Univ. Regensburg, Univ. Regensburg); PubMed 36369640 (cited by Institute of Human Genetics, Univ. Regensburg, Univ. Regensburg).